The following is an entry in ClinVar:

ClinVar aggregate classification (germline): Uncertain significance (1 of 4 stars; one submission).

Conditions:
Baller-Gerold syndrome (BGS). Also called: CRANIOSYNOSTOSIS WITH RADIAL DEFECTS. Identifiers: Orphanet 1225, MedGen C0265308, MONDO:0009039, OMIM 218600.

Submission:

Labcorp Genetics (formerly Invitae), Labcorp
Classification: Uncertain significance for Baller-Gerold syndrome. Last evaluated: 2021-02-01. Review status: criteria provided, single submitter. Criteria: Invitae Variant Classification Sherloc (09022015). Collection method: clinical testing. Allele origin: germline.
Comment: This variant is not present in population databases (ExAC no frequency). In summary, the available evidence is currently insufficient to determine the role of this variant in disease. Therefore, it has been classified as a Variant of Uncertain Significance. Experimental studies and prediction algorithms are not available or were not evaluated, and the functional significance of this variant is currently unknown. This variant has not been reported in the literature in individuals with RECQL4-related conditions. This sequence change replaces serine with arginine at codon 1097 of the RECQL4 protein (p.Ser1097Arg). The serine residue is highly conserved and there is a moderate physicochemical difference between serine and arginine.

NM_004260.4(RECQL4):c.3291C>G (p.Ser1097Arg)

Gene: RECQL4 (RecQ like helicase 4; minus strand). Cytogenetic location: 8q24.3.
Variant type: single nucleotide variant.
Coding change: c.3291C>G on transcript NM_004260.4 (MANE Select); coding-DNA position 3291, C replaced by G.
Protein change: p.Ser1097Arg; replaces serine 1097 with arginine.
Molecular consequence: missense variant.
Genome position (GRCh38, 1-based): chr8:144,512,013, G>C on the plus strand (C>G on the coding strand, the complement: RECQL4 is on the minus strand). VCF-style: chr8-144512013-G-C. GRCh37 (hg19) VCF-style: chr8-145737396-G-C.
Other names: short protein forms S1097R.
Identifiers: ClinVar variation 1449529 (VCV001449529.6), dbSNP rs1827313240, ClinGen allele CA372668930.